The following is an entry in ClinVar:

NM_000540.3(RYR1):c.4454G>A (p.Ser1485Asn)

Gene: RYR1 (ryanodine receptor 1; plus strand). Cytogenetic location: 19q13.2.
Variant type: single nucleotide variant.
Coding change: c.4454G>A on transcript NM_000540.3 (MANE Select); coding-DNA position 4454, G replaced by A.
Protein change: p.Ser1485Asn; replaces serine 1485 with asparagine.
Molecular consequence: missense variant.
Genome position (GRCh38, 1-based): chr19:38,477,870, G>A. VCF-style: chr19-38477870-G-A. GRCh37 (hg19) VCF-style: chr19-38968510-G-A.
Other names: c.4454G>A, p.Ser1485Asn (NM_001042723.2); short protein forms S1485N.
Identifiers: ClinVar variation 870620 (VCV000870620.3), dbSNP rs1317036540, ClinGen allele CA405646407.

ClinVar aggregate classification (germline): Conflicting classifications of pathogenicity. Review status: criteria provided, conflicting classifications (1 of 4 stars). 3 submissions from 3 submitters: Likely pathogenic (1); Uncertain significance (2). Last evaluated 2025-08-19.

Conditions:
Congenital multicore myopathy with external ophthalmoplegia (CMYO1B). Also called: MULTICORE MYOPATHY; Minicore myopathy with external ophthalmoplegia; Congenital myopathy 1B, autosomal recessive; Minicore myopathy; MULTIMINICORE DISEASE WITH EXTERNAL OPHTHALMOPLEGIA. Identifiers: Orphanet 598, Orphanet 98905, MedGen C1850674, MONDO:0009712, OMIM 255320, HP:0003789.
Malignant hyperthermia, susceptibility to, 1 (MHS1). Also called: Anesthesia related hyperthermia; Malignant hyperpyrexia; Fulminating hyperpyrexia; Pharmacogenic myopathy; Malignant hyperthermia suceptibility 1; RYR1-Related Malignant Hyperthermia Susceptibility. Identifiers: Orphanet 423, MedGen C2930980, MONDO:0007783, OMIM 145600.

Allele frequency attached by ClinVar (database versions not stated): gnomAD exomes below 0.00001; TOPMed below 0.00001.
gnomAD v4.1: 1 of 1,612,748 alleles (0.000062%); highest among the groups gnomAD compares: Non-Finnish European, 0.000085%; no homozygotes.

Submissions (3):

Color Diagnostics, LLC DBA Color Health
Classification: Uncertain significance for Malignant hyperthermia, susceptibility to, 1. Last evaluated: 2025-08-19. Review status: criteria provided, single submitter. Criteria: ACMG Guidelines, 2015. Collection method: clinical testing. Allele origin: germline.
Comment: This missense variant replaces serine with asparagine at codon 1485 of the RYR1 protein. Computational prediction suggests that this variant may not impact protein structure and function. To our knowledge, functional studies have not been reported for this variant. This variant has not been reported in individuals affected with autosomal dominant malignant hyperthermia in the literature, although it is associated with other phenotype(s) (ClinVar Variation ID: 870620). This variant has not been identified in the general population by the Genome Aggregation Database (gnomAD). Due to insufficient evidence, this variant is classified as a Variant of Uncertain Significance for autosomal dominant malignant hyperthermia.

All of Us Research Program, National Institutes of Health
Classification: Uncertain significance for Malignant hyperthermia, susceptibility to, 1. Last evaluated: 2023-06-08. Review status: criteria provided, single submitter. Criteria: ACMG Guidelines, 2015. Collection method: clinical testing. Allele origin: germline. Inheritance: Autosomal dominant inheritance. Observed: 1 variant allele, 1 heterozygote.
Comment: This missense variant replaces serine with asparagine at codon 1485 of the RYR1 protein. Computational prediction suggests that this variant may not impact protein structure and function (internally defined REVEL score threshold <= 0.5, PMID: 27666373). To our knowledge, functional studies have not been reported for this variant. This variant has not been reported in individuals affected with autosomal dominant malignant hyperthermia in the literature, although it is associated with other phenotype(s) (ClinVar Variation ID: 870620). This variant has not been identified in the general population by the Genome Aggregation Database (gnomAD). Due to insufficient evidence, this variant is classified as a Variant of Uncertain Significance for autosomal dominant malignant hyperthermia.

This study involves interpretation of variants in research participants for the purpose of population health screening. Participant phenotype was not available at the time of variant classification. Additional details can be found in publication PMID: 35346344, PMCID: PMC8962531

Pediatric Department, Peking University First Hospital
Classification: Likely pathogenic for Congenital multicore myopathy with external ophthalmoplegia. Last evaluated: 2020-04-11. Review status: criteria provided, single submitter. Criteria: ACMG Guidelines, 2015. Collection method: provider interpretation. Allele origin: paternal. Affected: yes.